The following is an entry in ClinVar:

NM_000400.4(ERCC2):c.1065_1068dup (p.Phe357fs)

Gene: ERCC2 (ERCC excision repair 2, TFIIH core complex helicase subunit; minus strand). Cytogenetic location: 19q13.32.
Variant type: Microsatellite.
Coding change: c.1065_1068dup on transcript NM_000400.4 (MANE Select); coding-DNA positions 1065 to 1068, 4 bases duplicated (CGCC; older notation c.1065_1068dupCGCC).
Protein change: p.Phe357fs; shifts the reading frame from phenylalanine 357.
Molecular consequence: frameshift variant. On other transcripts: non-coding transcript variant (3).
Genome position (GRCh38, 1-based): chr19:45,363,793-45,363,796, GGCG duplicated on the plus strand (CGCC on the coding strand, the reverse complement: ERCC2 is on the minus strand); duplicating any 4 consecutive bases within chr19:45,363,793-45,363,803 gives the same sequence; the c. name uses the placement nearest the transcript's 3' end. VCF-style (leftmost placement, unchanged base first): chr19-45363792-A-AGGCG. GRCh37 (hg19) VCF-style: chr19-45867050-A-AGGCG.
Other names: c.993_996dup, p.Phe333fs (NM_001130867.2, NM_001440355.1); c.987_990dup, p.Phe331fs (NM_001440356.1); c.942_945dup, p.Phe316fs (NM_001440357.1); short protein forms F316fs, F331fs, F333fs, F357fs.
Identifiers: ClinVar variation 5014684 (VCV005014684.1).

ClinVar aggregate classification (germline): Pathogenic (1 of 4 stars; one submission).

Conditions:
ERCC2-related disorder. Also called: ERCC2-related conditions; ERCC2-related condition; ERCC2-related disorders. Identifiers: MedGen CN239291.

Submission:

Myriad Genetics, Inc.
Classification: Pathogenic for ERCC2-related disorder. Last evaluated: 2025-07-05. Review status: criteria provided, single submitter. Criteria: Myriad Autosomal Dominant, Autosomal Recessive and X-Linked Classification Criteria (2023). Collection method: clinical testing. Allele origin: unknown.
Comment: NM_000400.3(ERCC2):c.1065_1068dupCGCC(F357Rfs*22) is expected to be pathogenic in the context of ERCC2-related disorders. This variant is predicted to lead to an abnormal or absent protein product due to the creation of a premature termination codon in ERCC2, a gene where loss-of-function variants are known to be pathogenic. Please note: this variant was assessed in the context of healthy population screening.